The following is an entry in ClinVar:

ClinVar aggregate classification (germline): Uncertain significance (1 of 4 stars; one submission).

gnomAD v4.1: 2 of 1,613,944 alleles (0.00012%); highest among the groups gnomAD compares: Admixed American, 0.0017%; no homozygotes.

Submission:

Labcorp Genetics (formerly Invitae), Labcorp
Classification: Uncertain significance. Last evaluated: 2025-09-09. Review status: criteria provided, single submitter. Criteria: Invitae Variant Classification Sherloc (09022015). Collection method: clinical testing. Allele origin: germline.
Comment: This sequence change replaces isoleucine, which is neutral and non-polar, with valine, which is neutral and non-polar, at codon 773 of the ABCA3 protein (p.Ile773Val). This variant is not present in population databases (gnomAD no frequency). This variant has not been reported in the literature in individuals affected with ABCA3-related conditions. Invitae Evidence Modeling of protein sequence and biophysical properties (such as structural, functional, and spatial information, amino acid conservation, physicochemical variation, residue mobility, and thermodynamic stability) indicates that this missense variant is not expected to disrupt ABCA3 protein function with a negative predictive value of 80%. In summary, the available evidence is currently insufficient to determine the role of this variant in disease. Therefore, it has been classified as a Variant of Uncertain Significance.

NM_001089.3(ABCA3):c.2317A>G (p.Ile773Val)

Gene: ABCA3 (ATP binding cassette subfamily A member 3; minus strand). Cytogenetic location: 16p13.3.
Variant type: single nucleotide variant.
Coding change: c.2317A>G on transcript NM_001089.3 (MANE Select); coding-DNA position 2317, A replaced by G.
Protein change: p.Ile773Val; replaces isoleucine 773 with valine.
Molecular consequence: missense variant.
Genome position (GRCh38, 1-based): chr16:2,295,687, T>C on the plus strand (A>G on the coding strand, the complement: ABCA3 is on the minus strand). VCF-style: chr16-2295687-T-C. GRCh37 (hg19) VCF-style: chr16-2345688-T-C.
Other names: short protein forms I773V.
Identifiers: ClinVar variation 4695539 (VCV004695539.1).